The following is an entry in ClinVar:

ClinVar aggregate classification (germline): Uncertain significance. Review status: criteria provided, multiple submitters, no conflicts (2 of 4 stars). 2 submissions from 2 submitters: Uncertain significance (2). Last evaluated 2024-09-17.

Conditions:
Cardiomyopathy (CMYO). Also called: Cardiomyopathies. Identifiers: Orphanet 167848, MedGen C0878544, MONDO:0004994, HP:0001638. Inheritance: Various modes of inheritance.
Cardiovascular phenotype. Identifiers: MedGen CN230736.

Submissions (2):

Ambry Genetics
Classification: Uncertain significance for Cardiovascular phenotype. Last evaluated: 2024-09-17. Review status: criteria provided, single submitter. Criteria: Ambry Variant Classification Scheme 2023. Collection method: clinical testing. Allele origin: germline.
Comment: The c.1705dupG variant, located in coding exon 16 of the PRKAG2 gene, results from a duplication of G at nucleotide position 1705, causing a translational frameshift with a predicted alternate stop codon (p.E569Gfs*39). This alteration occurs at the 3' terminus of thePRKAG2 gene, is not expected to trigger nonsense-mediated mRNAdecay and results in the elongation of the protein by 38 amino acids. This frameshift impacts the lastamino acid of the native protein. The exact functional effect of the altered amino acids is unknown. In addition, loss of function of PRKAG2 has not been established as a mechanism of disease. Based on the available evidence, the clinical significance of this alteration remains unclear.

Color Diagnostics, LLC DBA Color Health
Classification: Uncertain significance for Cardiomyopathy. Last evaluated: 2019-06-13. Review status: criteria provided, single submitter. Criteria: ACMG Guidelines, 2015. Collection method: clinical testing. Allele origin: germline.
Comment: This variant duplicates 1 nucleotide in the last amino acid of the PRKAG2 gene. This creates a frameshift and C-terminal extension by adding 38 new amino acids before introducing a stop codon. To our knowledge, functional assays have not been performed for this variant nor has this variant been reported in individuals affected with cardiovascular disorders in the literature. This variant has not been identified in the general population by the Genome Aggregation Database (gnomAD). Available evidence is insufficient to determine the role of this variant in disease conclusively. Therefore, this variant is classified as a Variant of Uncertain Significance.

NM_016203.4(PRKAG2):c.1705dup (p.Glu569fs)

Gene: PRKAG2 (protein kinase AMP-activated non-catalytic subunit gamma 2; minus strand). Cytogenetic location: 7q36.1.
Variant type: Duplication.
Coding change: c.1705dup on transcript NM_016203.4 (MANE Select); coding-DNA position 1705, one base duplicated (G; older notation c.1705dupG).
Protein change: p.Glu569fs; shifts the reading frame from glutamic acid 569.
Molecular consequence: frameshift variant.
Genome position (GRCh38, 1-based): chr7:151,557,206, C duplicated on the plus strand (G on the coding strand, the reverse complement: PRKAG2 is on the minus strand); the first of 2 consecutive C bases (chr7:151,557,206-151,557,207); duplicating either gives the same sequence. VCF-style (leftmost placement, unchanged base first): chr7-151557205-T-TC. GRCh37 (hg19) VCF-style: chr7-151254291-T-TC.
Other names: c.1573dup, p.Glu525fs (NM_001040633.2); c.1330dup, p.Glu444fs (NM_001304527.2); c.982dup, p.Glu328fs (NM_001304531.2, NM_024429.2); c.1333dup, p.Glu445fs (NM_001363698.2); c.1705dupG (NM_016203.3); short protein forms E444fs, E569fs, E445fs, E328fs, E525fs.
Identifiers: ClinVar variation 923300 (VCV000923300.4), dbSNP rs1803935878, ClinGen allele CA913203393.